The following is an entry in ClinVar:

NM_018060.4(IARS2):c.-35G>T

Genes: IARS2 (isoleucyl-tRNA synthetase 2, mitochondrial; plus strand), LOC129932529 (ATAC-STARR-seq lymphoblastoid silent region 1823; plus strand). Cytogenetic location: 1q41.
Variant type: single nucleotide variant.
Coding change: c.-35G>T on transcript NM_018060.4 (MANE Select); 35 bases upstream of the start codon, G replaced by T.
Molecular consequence: 5 prime UTR variant.
Genome position (GRCh38, 1-based): chr1:220,094,182, G>T. VCF-style: chr1-220094182-G-T. GRCh37 (hg19) VCF-style: chr1-220267524-G-T.
Identifiers: ClinVar variation 513094 (VCV000513094.1), dbSNP rs765948122, ClinGen allele CA1400985.

ClinVar aggregate classification (germline): Likely benign (1 of 4 stars; one submission).

Allele frequency attached by ClinVar (database versions not stated): ExAC 0.00004; gnomAD exomes 0.00005.
gnomAD v4.1: 10 of 1,514,680 alleles (0.00066%); highest among the groups gnomAD compares: Admixed American, 0.02%; no homozygotes.

Submission:

GeneDx
Classification: Likely benign. Last evaluated: 2017-11-15. Review status: criteria provided, single submitter. Criteria: GeneDx Variant Classification (06012015). Collection method: clinical testing. Allele origin: germline. Affected: yes.
Comment: This variant is considered likely benign or benign based on one or more of the following criteria: it is a conservative change, it occurs at a poorly conserved position in the protein, it is predicted to be benign by multiple in silico algorithms, and/or has population frequency not consistent with disease.